The following is an entry in ClinVar:

ClinVar aggregate classification (germline): Likely benign (1 of 4 stars; one submission).

Allele frequency attached by ClinVar (database versions not stated): 1000 Genomes Project 0.00100; 1000 Genomes Project 30x 0.00125; gnomAD 0.00137; ExAC 0.00159; ESP Exome Variant Server 0.00169.
gnomAD v4.1: 2,993 of 1,614,014 alleles (0.19%); highest among the groups gnomAD compares: Non-Finnish European, 0.21%; 4 homozygotes.

Submission:

CeGaT Center for Human Genetics Tuebingen
Classification: Likely benign. Last evaluated: 2023-11-01. Review status: criteria provided, single submitter. Criteria: CeGaT Center For Human Genetics Tuebingen Variant Classification Criteria Version 2. Collection method: clinical testing. Allele origin: germline. Affected: yes. Observed: 1 variant allele.
Comment: RPS11: BP4

NM_001015.5(RPS11):c.224-8G>A

Gene: RPS11 (ribosomal protein S11; plus strand). Cytogenetic location: 19q13.33.
Variant type: single nucleotide variant.
Coding change: c.224-8G>A on transcript NM_001015.5 (MANE Select); 8 bases into the intron before coding-DNA position 224, G replaced by A.
Molecular consequence: intron variant.
Genome position (GRCh38, 1-based): chr19:49,497,909, G>A. VCF-style: chr19-49497909-G-A. GRCh37 (hg19) VCF-style: chr19-50001166-G-A.
Identifiers: ClinVar variation 2672784 (VCV002672784.23), dbSNP rs148723163, ClinGen allele CA9575947.